The following is an entry in ClinVar:

ClinVar aggregate classification (germline): Pathogenic (1 of 4 stars; one submission).

Conditions:
Hereditary cancer-predisposing syndrome. Also called: Neoplastic Syndromes, Hereditary; Tumor predisposition; Hereditary Cancer Syndrome; Hereditary neoplastic syndrome. Identifiers: Orphanet 140162, MedGen C0027672, MeSH D009386, MONDO:0015356.

Submission:

Ambry Genetics
Classification: Pathogenic for Hereditary cancer-predisposing syndrome. Last evaluated: 2022-04-21. Review status: criteria provided, single submitter. Criteria: Ambry Variant Classification Scheme 2023. Collection method: clinical testing. Allele origin: germline.
Comment: The c.1259delA pathogenic mutation, located in coding exon 9 of the BRCA1 gene, results from a deletion of one nucleotide at nucleotide position 1259, causing a translational frameshift with a predicted alternate stop codon (p.D420Vfs*10). This variant is considered to be rare based on population cohorts in the Genome Aggregation Database (gnomAD). This alteration is expected to result in loss of function by premature protein truncation or nonsense-mediated mRNA decay. As such, this alteration is interpreted as a disease-causing mutation.

NM_007294.4(BRCA1):c.1259del (p.Asp420fs)

Gene: BRCA1 (BRCA1 DNA repair associated; minus strand). Cytogenetic location: 17q21.31.
Variant type: Deletion.
Coding change: c.1259del on transcript NM_007294.4 (MANE Select); coding-DNA position 1259, one base deleted (A; older notation c.1259delA).
Protein change: p.Asp420fs; shifts the reading frame from aspartic acid 420.
Molecular consequence: frameshift variant. On other transcripts: intron variant (137).
Genome position (GRCh38, 1-based): chr17:43,094,272, T deleted on the plus strand (A on the coding strand, the reverse complement: BRCA1 is on the minus strand). VCF-style (leftmost placement, unchanged base first): chr17-43094271-AT-A. GRCh37 (hg19) VCF-style: chr17-41246288-AT-A.
Other names: c.1046del, p.Asp349fs (NM_001407571.1, NM_001407853.1, NM_001407894.1 and 9 more transcripts); c.1259del, p.Asp420fs (NM_001407581.1, NM_001407582.1, NM_001407583.1 and 30 more transcripts); c.1256del, p.Asp419fs (NM_001407587.1, NM_001407590.1, NM_001407591.1 and 22 more transcripts); c.1250del, p.Asp417fs (NM_001407646.1, NM_001407647.1); c.1136del, p.Asp379fs (NM_001407648.1, NM_001407664.1, NM_001407665.1 and 19 more transcripts); c.1133del, p.Asp378fs (NM_001407649.1, NM_001407670.1, NM_001407671.1 and 11 more transcripts); c.1181del, p.Asp394fs (NM_001407653.1, NM_001407654.1, NM_001407655.1 and 4 more transcripts); c.1178del, p.Asp393fs (NM_001407659.1, NM_001407660.1, NM_001407661.1 and 1 more transcripts); and 40 more; short protein forms D420fs, D373fs, D252fs, D308fs, D331fs, D353fs, D379fs, D417fs.
Identifiers: ClinVar variation 1762558 (VCV001762558.2), dbSNP rs2552218484, ClinGen allele CA2580093901.